The following is an entry in ClinVar:

NM_001353921.2(ARHGEF9):c.1321+5G>T

Gene: ARHGEF9 (Cdc42 guanine nucleotide exchange factor 9; minus strand). Cytogenetic location: Xq11.1.
Variant type: single nucleotide variant.
Coding change: c.1321+5G>T on transcript NM_001353921.2 (MANE Select); 5 bases into the intron after coding-DNA position 1321, G replaced by T.
Molecular consequence: intron variant.
Genome position (GRCh38, 1-based): chrX:63,655,489, C>A on the plus strand (G>T on the coding strand, the complement: ARHGEF9 is on the minus strand). VCF-style: chrX-63655489-C-A. GRCh37 (hg19) VCF-style: chrX-62875369-C-A.
Other names: c.1120+5G>T (NM_001353926.2, NM_001353924.2, NM_001369040.1 and 1 more transcripts); c.1300+5G>T (NM_001369032.1, NM_015185.3, NM_001369031.1 and 1 more transcripts); c.994+5G>T (NM_001369042.1, NM_001173480.2); c.1168+5G>T (NM_001353928.2); c.1141+5G>T (NM_001173479.2); c.1189+5G>T (NM_001353922.2); c.993+10397G>T (NM_001369043.1, NM_001369044.1); c.1237+5G>T (NM_001330495.2, NM_001369038.1, NM_001369037.1 and 4 more transcripts); and 3 more.
Identifiers: ClinVar variation 2693577 (VCV002693577.3), dbSNP rs2519615636, ClinGen allele CA2697553129.

ClinVar aggregate classification (germline): Uncertain significance (1 of 4 stars; one submission).

Conditions:
Developmental and epileptic encephalopathy, 8 (DEE8). Also called: HYPEREKPLEXIA AND EPILEPSY. Identifiers: Orphanet 163985, Orphanet 2076, MedGen C1845102, MONDO:0010375, OMIM 300607.

Submission:

Labcorp Genetics (formerly Invitae), Labcorp
Classification: Uncertain significance for Developmental and epileptic encephalopathy, 8. Last evaluated: 2025-01-22. Review status: criteria provided, single submitter. Criteria: Invitae Variant Classification Sherloc (09022015). Collection method: clinical testing. Allele origin: germline.
Comment: This sequence change falls in intron 8 of the ARHGEF9 gene. It does not directly change the encoded amino acid sequence of the ARHGEF9 protein. It affects a nucleotide within the consensus splice site. This variant is not present in population databases (gnomAD no frequency). This variant has not been reported in the literature in individuals affected with ARHGEF9-related conditions. ClinVar contains an entry for this variant (Variation ID: 2693577). Variants that disrupt the consensus splice site are a relatively common cause of aberrant splicing (PMID: 17576681, 9536098). Algorithms developed to predict the effect of sequence changes on RNA splicing suggest that this variant may disrupt the consensus splice site. In summary, the available evidence is currently insufficient to determine the role of this variant in disease. Therefore, it has been classified as a Variant of Uncertain Significance.

Literature cited by the submitters: PubMed 17576681; PubMed 9536098.